The following is an entry in ClinVar:

ClinVar aggregate classification (germline): Uncertain significance (1 of 4 stars; one submission).

Submission:

Kariminejad - Najmabadi Pathology & Genetics Center
Classification: Uncertain significance. Last evaluated: 2017-06-12. Review status: criteria provided, single submitter. Criteria: ACMG Guidelines, 2015. Collection method: clinical testing. Allele origin: germline. Inheritance: Autosomal recessive inheritance. Affected: yes.
Comment: PM2, PM3_supporting,PP3

NM_000080.4(CHRNE):c.1364A>T (p.Asp455Val)

Gene: CHRNE (cholinergic receptor nicotinic epsilon subunit; minus strand). Cytogenetic location: 17p13.2.
Variant type: single nucleotide variant.
Coding change: c.1364A>T on transcript NM_000080.4 (MANE Select); coding-DNA position 1364, A replaced by T.
Protein change: p.Asp455Val; replaces aspartic acid 455 with valine.
Molecular consequence: missense variant.
Genome position (GRCh38, 1-based): chr17:4,898,854, T>A on the plus strand (A>T on the coding strand, the complement: CHRNE is on the minus strand). VCF-style: chr17-4898854-T-A. GRCh37 (hg19) VCF-style: chr17-4802149-T-A.
Other names: short protein forms D455V.
Identifiers: ClinVar variation 3896804 (VCV003896804.1).
Genomic context (GRCh38, chr17:4,898,854, plus strand): 5'-AGGAAGATGAGGCTGGAGCCCACGCTGAAGAGCACCAGAGCGGCCCAGAAGCAGATGTTG[T>A]CAAGGGCATTCCCCATGCGCACCCAGTCGGACACTTCCTGGGGAAGGGTCGGCACAGTCA-3'
Protein context (NP_000071.1, residues 445-465): SDWVRMGNAL[Asp455Val]NICFWAALVL